The following is an entry in ClinVar:

ClinVar aggregate classification (germline): Uncertain significance (1 of 4 stars; one submission).

Conditions:
RASopathy. Also called: Noonan spectrum disorder; rasopathies. Identifiers: Orphanet 536391, MedGen C5555857, MONDO:0021060.

Submission:

Labcorp Genetics (formerly Invitae), Labcorp
Classification: Uncertain significance for RASopathy. Last evaluated: 2025-07-20. Review status: criteria provided, single submitter. Criteria: Invitae Variant Classification Sherloc (09022015). Collection method: clinical testing. Allele origin: germline.
Comment: This sequence change replaces glycine, which is neutral and non-polar, with arginine, which is basic and polar, at codon 95 of the MAP2K2 protein (p.Gly95Arg). This variant is not present in population databases (gnomAD no frequency). This variant has not been reported in the literature in individuals affected with MAP2K2-related conditions. ClinVar contains an entry for this variant (Variation ID: 3636805). Invitae Evidence Modeling of protein sequence and biophysical properties (such as structural, functional, and spatial information, amino acid conservation, physicochemical variation, residue mobility, and thermodynamic stability) has been performed for this missense variant. However, the output from this modeling did not meet the statistical confidence thresholds required to predict the impact of this variant on MAP2K2 protein function. In summary, the available evidence is currently insufficient to determine the role of this variant in disease. Therefore, it has been classified as a Variant of Uncertain Significance.

NM_030662.4(MAP2K2):c.283G>C (p.Gly95Arg)

Gene: MAP2K2 (mitogen-activated protein kinase kinase 2; minus strand). Cytogenetic location: 19p13.3.
Variant type: single nucleotide variant.
Coding change: c.283G>C on transcript NM_030662.4 (MANE Select); coding-DNA position 283, G replaced by C.
Protein change: p.Gly95Arg; replaces glycine 95 with arginine.
Molecular consequence: missense variant.
Genome position (GRCh38, 1-based): chr19:4,117,439, C>G on the plus strand (G>C on the coding strand, the complement: MAP2K2 is on the minus strand). VCF-style: chr19-4117439-C-G. GRCh37 (hg19) VCF-style: chr19-4117437-C-G.
Other names: short protein forms G95R.
Identifiers: ClinVar variation 3636805 (VCV003636805.2).
Genomic context (GRCh38, chr19:4,117,439, plus strand): 5'-CCCCACCACTCCCCGACCTCCCCGACCCCGCAGTGCTCACCTTCCTGGCCATGATGAGGC[C>G]CGAGGGTCTGTGCTGGACTTTGGTGACCACCCCGCCGTTGCCCGCGCCCAGCTCTGAGAT-3'
Protein context (NP_109587.1, residues 85-105): VVTKVQHRPS[Gly95Arg]LIMARKLIHL